The following is an entry in ClinVar:

NM_172107.4(KCNQ2):c.817-1G>A

Gene: KCNQ2 (potassium voltage-gated channel subfamily Q member 2; minus strand). Cytogenetic location: 20q13.33.
Variant type: single nucleotide variant.
Coding change: c.817-1G>A on transcript NM_172107.4 (MANE Select); the canonical splice acceptor site of the intron before coding-DNA position 817, G replaced by A.
Molecular consequence: splice acceptor variant.
Genome position (GRCh38, 1-based): chr20:63,439,709, C>T on the plus strand (G>A on the coding strand, the complement: KCNQ2 is on the minus strand). VCF-style: chr20-63439709-C-T. GRCh37 (hg19) VCF-style: chr20-62071062-C-T.
Other names: c.817-1G>A (NM_001382235.1, NM_172109.3, NM_004518.6 and 2 more transcripts).
Identifiers: ClinVar variation 1479875 (VCV001479875.7), dbSNP rs2145719805, ClinGen allele CA409652785.
Genomic context (GRCh38, chr20:63,439,709, plus strand): 5'-GAGCCTGCCGTTCCAGGTCTGGGGGTACTTGTCCCCGTAGCCAATGGTGGTCAGCGTGAT[C>T]TGTGGGACCGCAGGCTCTAGTCACACGAAGGGCCTGCTCACACCCCTGAGGGCAGGCTGG-3'

ClinVar aggregate classification (germline): Likely pathogenic (1 of 4 stars; one submission).

Conditions:
Early-infantile DEE. Also called: Early infantile epileptic encephalopathy with suppression bursts; Early infantile epileptic encephalopathy; Ohtahara syndrome. Identifiers: Orphanet 1934, MedGen C0393706, MONDO:0800491.

Submission:

Labcorp Genetics (formerly Invitae), Labcorp
Classification: Likely pathogenic for Early-infantile DEE. Last evaluated: 2022-06-27. Review status: criteria provided, single submitter. Criteria: Invitae Variant Classification Sherloc (09022015). Collection method: clinical testing. Allele origin: germline.
Comment: In summary, the currently available evidence indicates that the variant is pathogenic, but additional data are needed to prove that conclusively. Therefore, this variant has been classified as Likely Pathogenic. Algorithms developed to predict the effect of sequence changes on RNA splicing suggest that this variant may disrupt the consensus splice site. This variant has not been reported in the literature in individuals affected with KCNQ2-related conditions. This variant is not present in population databases (gnomAD no frequency). This sequence change affects an acceptor splice site in intron 5 of the KCNQ2 gene. It is expected to disrupt RNA splicing. Variants that disrupt the donor or acceptor splice site typically lead to a loss of protein function (PMID: 16199547), and loss-of-function variants in KCNQ2 are known to be pathogenic (PMID: 14534157, 23692823, 27779742).

Literature cited by the submitters: PubMed 16199547; PubMed 14534157; PubMed 23692823; PubMed 27779742.